The following is an entry in ClinVar:

NM_015072.5(TTLL5):c.1432C>T (p.Arg478Trp)

Gene: TTLL5 (tubulin tyrosine ligase like 5; plus strand). Cytogenetic location: 14q24.3.
Variant type: single nucleotide variant.
Coding change: c.1432C>T on transcript NM_015072.5 (MANE Select); coding-DNA position 1432, C replaced by T.
Protein change: p.Arg478Trp; replaces arginine 478 with tryptophan.
Molecular consequence: missense variant.
Genome position (GRCh38, 1-based): chr14:75,745,526, C>T. VCF-style: chr14-75745526-C-T. GRCh37 (hg19) VCF-style: chr14-76211869-C-T.
Other names: short protein forms R478W.
Identifiers: ClinVar variation 2202997 (VCV002202997.5), dbSNP rs778757743, ClinGen allele CA7279384.

ClinVar aggregate classification (germline): Conflicting classifications of pathogenicity. Review status: criteria provided, conflicting classifications (1 of 4 stars). 2 submissions from 2 submitters: Likely pathogenic (1); Uncertain significance (1). Last evaluated 2026-01-26.

Allele frequency attached by ClinVar (database versions not stated): TOPMed below 0.00001; gnomAD 0.00001; ExAC 0.00004.
gnomAD v4.1: 17 of 1,613,638 alleles (0.0011%); highest among the groups gnomAD compares: Admixed American, 0.015%; no homozygotes.

Submissions (2):

Labcorp Genetics (formerly Invitae), Labcorp
Classification: Likely pathogenic. Last evaluated: 2026-01-26. Review status: criteria provided, single submitter. Criteria: Invitae Variant Classification Sherloc (09022015). Collection method: clinical testing. Allele origin: germline.
Comment: This sequence change replaces arginine, which is basic and polar, with tryptophan, which is neutral and slightly polar, at codon 478 of the TTLL5 protein (p.Arg478Trp). This variant is present in population databases (rs778757743, gnomAD 0.02%). This missense change has been observed in individual(s) with cone-rod dystrophy (PMID: 38540785; internal data). In at least one individual the data is consistent with being in trans (on the opposite chromosome) from a pathogenic variant. ClinVar contains an entry for this variant (Variation ID: 2202997). Invitae Evidence Modeling of protein sequence and biophysical properties (such as structural, functional, and spatial information, amino acid conservation, physicochemical variation, residue mobility, and thermodynamic stability) has been performed for this missense variant. However, the output from this modeling did not meet the statistical confidence thresholds required to predict the impact of this variant on TTLL5 protein function. This variant disrupts the p.Arg478 amino acid residue in TTLL5. Other variant(s) that disrupt this residue have been observed in individuals with TTLL5-related conditions (PMID: 38264610), which suggests that this may be a clinically significant amino acid residue. In summary, the currently available evidence indicates that the variant is pathogenic, but additional data are needed to prove that conclusively. Therefore, this variant has been classified as Likely Pathogenic.

Blueprint Genetics
Classification: Uncertain significance. Last evaluated: 2020-04-03. Review status: criteria provided, single submitter. Criteria: ACMG Guidelines, 2015. Collection method: clinical testing. Allele origin: germline.

Literature cited by the submitters: PubMed 38540785 (cited by Labcorp Genetics (formerly Invitae), Labcorp); PubMed 38264610 (cited by Labcorp Genetics (formerly Invitae), Labcorp).